The following is an entry in ClinVar:

NM_006035.4(CDC42BPB):c.2758G>A (p.Glu920Lys)

Gene: CDC42BPB (CDC42 binding protein kinase beta; minus strand). Cytogenetic location: 14q32.32.
Variant type: single nucleotide variant.
Coding change: c.2758G>A on transcript NM_006035.4 (MANE Select); coding-DNA position 2758, G replaced by A.
Protein change: p.Glu920Lys; replaces glutamic acid 920 with lysine.
Molecular consequence: missense variant.
Genome position (GRCh38, 1-based): chr14:102,963,124, C>T on the plus strand (G>A on the coding strand, the complement: CDC42BPB is on the minus strand). VCF-style: chr14-102963124-C-T. GRCh37 (hg19) VCF-style: chr14-103429461-C-T.
Other names: c.2758G>A, p.Glu920Lys (NM_001411054.1); short protein forms E920K.
Identifiers: ClinVar variation 3602249 (VCV003602249.1).

ClinVar aggregate classification (germline): Uncertain significance (1 of 4 stars; one submission).

Submission:

GeneDx
Classification: Uncertain significance. Last evaluated: 2024-08-02. Review status: criteria provided, single submitter. Criteria: GeneDx Variant Classification Process June 2021. Collection method: clinical testing. Allele origin: germline. Affected: yes.
Comment: Not observed at significant frequency in large population cohorts (gnomAD); In silico analysis supports that this missense variant does not alter protein structure/function; Has not been previously published as pathogenic or benign to our knowledge